The following is an entry in ClinVar:

NM_176787.5(PIGN):c.2469T>A (p.Ser823Arg)

Gene: PIGN (phosphatidylinositol glycan anchor biosynthesis class N; minus strand). Cytogenetic location: 18q21.33.
Variant type: single nucleotide variant.
Coding change: c.2469T>A on transcript NM_176787.5 (MANE Select); coding-DNA position 2469, T replaced by A.
Protein change: p.Ser823Arg; replaces serine 823 with arginine.
Molecular consequence: missense variant.
Genome position (GRCh38, 1-based): chr18:62,084,564, A>T on the plus strand (T>A on the coding strand, the complement: PIGN is on the minus strand). VCF-style: chr18-62084564-A-T. GRCh37 (hg19) VCF-style: chr18-59751797-A-T.
Other names: c.2469T>A, p.Ser823Arg (NM_012327.6); short protein forms S823R.
Identifiers: ClinVar variation 662654 (VCV000662654.8), dbSNP rs1248101858, ClinGen allele CA402601298.

ClinVar aggregate classification (germline): Uncertain significance (1 of 4 stars; one submission).

Conditions:
Multiple congenital anomalies-hypotonia-seizures syndrome 1 (MCAHS1). Also called: PIGN-CDG; Congenital disorder of glycosylation due to PIGN deficiency; GLYCOSYLPHOSPHATIDYLINOSITOL BIOSYNTHESIS DEFECT 3. Identifiers: Orphanet 280633, MedGen C3279775, MONDO:0013563, OMIM 614080.

Allele frequency attached by ClinVar (database versions not stated): gnomAD exomes below 0.00001; TOPMed below 0.00001.
gnomAD v4.1: 4 of 1,560,384 alleles (0.00026%); highest among the groups gnomAD compares: Non-Finnish European, 0.00035%; no homozygotes.

Submission:

Labcorp Genetics (formerly Invitae), Labcorp
Classification: Uncertain significance for Multiple congenital anomalies-hypotonia-seizures syndrome 1. Last evaluated: 2022-01-15. Review status: criteria provided, single submitter. Criteria: Invitae Variant Classification Sherloc (09022015). Collection method: clinical testing. Allele origin: germline.
Comment: In summary, the available evidence is currently insufficient to determine the role of this variant in disease. Therefore, it has been classified as a Variant of Uncertain Significance. Algorithms developed to predict the effect of missense changes on protein structure and function (SIFT, PolyPhen-2, Align-GVGD) all suggest that this variant is likely to be tolerated. ClinVar contains an entry for this variant (Variation ID: 662654). This variant has not been reported in the literature in individuals affected with PIGN-related conditions. This variant is not present in population databases (gnomAD no frequency). This sequence change replaces serine, which is neutral and polar, with arginine, which is basic and polar, at codon 823 of the PIGN protein (p.Ser823Arg).